The following is an entry in ClinVar:

NM_001035.3(RYR2):c.938A>T (p.Asn313Ile)

Gene: RYR2 (ryanodine receptor 2; plus strand). Cytogenetic location: 1q43.
Variant type: single nucleotide variant.
Coding change: c.938A>T on transcript NM_001035.3 (MANE Select); coding-DNA position 938, A replaced by T.
Protein change: p.Asn313Ile; replaces asparagine 313 with isoleucine.
Molecular consequence: missense variant.
Genome position (GRCh38, 1-based): chr1:237,423,181, A>T. VCF-style: chr1-237423181-A-T. GRCh37 (hg19) VCF-style: chr1-237586481-A-T.
Other names: short protein forms N313I.
Identifiers: ClinVar variation 3340590 (VCV003340590.4).
Genomic context (GRCh38, chr1:237,423,181, plus strand): 5'-AGCCATTCCGACTACGCCATGTCACAACAGGAAAATACTTGAGTCTCATGGAAGACAAAA[A>T]CCTTCTACTCATGGACAAAGAGAAAGCTGATGTAAAATCAACAGCATTTACCTTCCGGTC-3'
Protein context (NP_001026.2, residues 303-323): GKYLSLMEDK[Asn313Ile]LLLMDKEKAD

ClinVar aggregate classification (germline): Uncertain significance. Review status: criteria provided, multiple submitters, no conflicts (2 of 4 stars). 3 submissions from 3 submitters: Uncertain significance (3). Last evaluated 2026-01-19.

Conditions:
Cardiomyopathy (CMYO). Also called: Cardiomyopathies. Identifiers: Orphanet 167848, MedGen C0878544, MONDO:0004994, HP:0001638. Inheritance: Various modes of inheritance.
Catecholaminergic polymorphic ventricular tachycardia 1. Also called: VENTRICULAR TACHYCARDIA, STRESS-INDUCED POLYMORPHIC 1; VENTRICULAR TACHYCARDIA, CATECHOLAMINERGIC POLYMORPHIC, 1, WITH OR WITHOUT ATRIAL DYSFUNCTION AND/OR DILATED CARDIOMYOPATHY; RYR2-Related Catecholaminergic Polymorphic Ventricular Tachycardia. Identifiers: Orphanet 3286, MedGen C1631597, MONDO:0011484, OMIM 604772.

gnomAD v4.1: 4 of 1,613,734 alleles (0.00025%); highest among the groups gnomAD compares: Middle Eastern, 0.016%; no homozygotes.

Submissions (3):

Labcorp Genetics (formerly Invitae), Labcorp
Classification: Uncertain significance for Catecholaminergic polymorphic ventricular tachycardia 1. Last evaluated: 2026-01-19. Review status: criteria provided, single submitter. Criteria: Invitae Variant Classification Sherloc (09022015). Collection method: clinical testing. Allele origin: germline.
Comment: This sequence change replaces asparagine, which is neutral and polar, with isoleucine, which is neutral and non-polar, at codon 313 of the RYR2 protein (p.Asn313Ile). This variant is not present in population databases (gnomAD no frequency). This missense change has been observed in individual(s) with clinical features of RYR2-related conditions (PMID: 29247119). ClinVar contains an entry for this variant (Variation ID: 3340590). Invitae Evidence Modeling of protein sequence and biophysical properties (such as structural, functional, and spatial information, amino acid conservation, physicochemical variation, residue mobility, and thermodynamic stability) indicates that this missense variant is not expected to disrupt RYR2 protein function with a negative predictive value of 95%. In summary, the available evidence is currently insufficient to determine the role of this variant in disease. Therefore, it has been classified as a Variant of Uncertain Significance.

Color Diagnostics, LLC DBA Color Health
Classification: Uncertain significance for Cardiomyopathy. Last evaluated: 2024-03-28. Review status: criteria provided, single submitter. Criteria: ACMG Guidelines, 2015. Collection method: clinical testing. Allele origin: germline.
Comment: This missense variant replaces asparagine with isoleucine at codon 313 of the RYR2 protein. Computational prediction suggests that this variant may not impact protein structure and function. To our knowledge, functional studies have not been reported for this variant. This variant has not been reported in individuals affected with RYR2-related disorders in the literature. This variant has not been identified in the general population by the Genome Aggregation Database (gnomAD). The available evidence is insufficient to determine the role of this variant in disease conclusively. Therefore, this variant is classified as a Variant of Uncertain Significance.

GeneDx
Classification: Uncertain significance. Last evaluated: 2023-07-11. Review status: criteria provided, single submitter. Criteria: GeneDx Variant Classification Process June 2021. Collection method: clinical testing. Allele origin: germline. Affected: yes.
Comment: Not observed at significant frequency in large population cohorts (gnomAD); In silico analysis supports that this missense variant has a deleterious effect on protein structure/function; Located in one of the three hot-spot regions of the RYR2 gene, where the majority of pathogenic missense variants occur (Medeiros-Domingo et al., 2009); Identified in a patient with sudden unexplained death; detailed clinical information was not provided (Lin et al., 2017); This variant is associated with the following publications: (PMID: 19926015, 29247119)

Literature cited by the submitters: PubMed 29247119 (cited by Labcorp Genetics (formerly Invitae), Labcorp).